The following is an entry in ClinVar:

NM_012398.3(PIP5K1C):c.1745C>T (p.Ala582Val)

Gene: PIP5K1C (phosphatidylinositol-4-phosphate 5-kinase type 1 gamma; minus strand). Cytogenetic location: 19p13.3.
Variant type: single nucleotide variant.
Coding change: c.1745C>T on transcript NM_012398.3 (MANE Select); coding-DNA position 1745, C replaced by T.
Protein change: p.Ala582Val; replaces alanine 582 with valine.
Molecular consequence: missense variant.
Genome position (GRCh38, 1-based): chr19:3,641,747, G>A on the plus strand (C>T on the coding strand, the complement: PIP5K1C is on the minus strand). VCF-style: chr19-3641747-G-A. GRCh37 (hg19) VCF-style: chr19-3641745-G-A.
Other names: c.1745C>T, p.Ala582Val (NM_001195733.2, NM_001300849.2); short protein forms A582V.
Identifiers: ClinVar variation 1309199 (VCV001309199.2), dbSNP rs750051199, ClinGen allele CA9082099.

ClinVar aggregate classification (germline): Uncertain significance (1 of 4 stars; one submission).

Allele frequency attached by ClinVar (database versions not stated): gnomAD exomes 0.00002; TOPMed 0.00002; gnomAD 0.00001; ExAC 0.00002.
gnomAD v4.1: 31 of 1,611,198 alleles (0.0019%); highest among the groups gnomAD compares: Middle Eastern, 0.017%; no homozygotes.

Submission:

GeneDx
Classification: Uncertain significance. Last evaluated: 2019-10-17. Review status: criteria provided, single submitter. Criteria: GeneDx Variant Classification Process June 2021. Collection method: clinical testing. Allele origin: germline. Affected: yes.
Comment: Has not been previously published as pathogenic or benign to our knowledge; Not observed at a significant frequency in large population cohorts (Lek et al., 2016); In silico analysis, which includes protein predictors and evolutionary conservation, supports that this variant does not alter protein structure/function